The following is an entry in ClinVar:

ClinVar aggregate classification (germline): Benign. Review status: criteria provided, multiple submitters, no conflicts (2 of 4 stars). 2 submissions from 2 submitters: Benign (2). Last evaluated 2018-01-13.

Conditions:
Progressive myoclonic epilepsy. Also called: Progressive myoclonus epilepsy; Familial progressive myoclonic epilepsy; Myoclonus epilepsy; Myoclonic Epilepsies, Progressive. Identifiers: Orphanet 308, Orphanet 98261, MedGen C0751778, MONDO:0020074.

Allele frequency attached by ClinVar (database versions not stated): TOPMed 0.15518; gnomAD exomes 0.19953; 1000 Genomes Project 30x 0.10306; 1000 Genomes Project 0.10463.
gnomAD v4.1: 24,053 of 152,662 alleles (16%); highest among the groups gnomAD compares: Middle Eastern, 26%; 2,439 homozygotes.

Submissions (2):

Illumina Laboratory Services, Illumina
Classification: Benign for Progressive myoclonic epilepsy. Last evaluated: 2018-01-13. Review status: criteria provided, single submitter. Criteria: ICSL Variant Classification Criteria 13 December 2019. Collection method: clinical testing. Allele origin: germline.
Comment: This variant was observed in the ICSL laboratory as part of a predisposition screen in an ostensibly healthy population. It had not been previously curated by ICSL or reported in the Human Gene Mutation Database (HGMD: prior to June 1st, 2018), and was therefore a candidate for classification through an automated scoring system. Utilizing variant allele frequency, disease prevalence and penetrance estimates, and inheritance mode, an automated score was calculated to assess if this variant is too frequent to cause the disease. Based on the score and internal cut-off values, a variant classified as benign is not then subjected to further curation. The score for this variant resulted in a classification of benign for this disease.

Breakthrough Genomics
Classification: Benign. Review status: criteria provided, single submitter. Criteria: ACMG Guidelines, 2015. Collection method: not provided. Allele origin: germline. Inheritance: Unknown mechanism. Affected: yes.

NM_198859.4(PRICKLE2):c.*4238C>T

Genes: PRICKLE2 (prickle planar cell polarity protein 2; minus strand), PRICKLE2-AS1 (PRICKLE2 antisense RNA 1; plus strand). Cytogenetic location: 3p14.1.
Variant type: single nucleotide variant.
Coding change: c.*4238C>T on transcript NM_198859.4 (MANE Select); 4238 bases downstream of the stop codon, C replaced by T.
Molecular consequence: 3 prime UTR variant.
Genome position (GRCh38, 1-based): chr3:64,094,813, G>A on the plus strand (C>T on the coding strand, the complement: PRICKLE2 is on the minus strand). VCF-style: chr3-64094813-G-A. GRCh37 (hg19) VCF-style: chr3-64080489-G-A.
Other names: c.*4238C>T (NM_001370528.1).
Identifiers: ClinVar variation 346422 (VCV000346422.6), dbSNP rs14056, ClinGen allele CA10616538.